The following is an entry in ClinVar:

ClinVar aggregate classification (germline): Uncertain significance (1 of 4 stars; one submission).

Conditions:
Myopathy, proximal, and ophthalmoplegia (CMYO6). Also called: MYOPATHY WITH CONGENITAL JOINT CONTRACTURES, OPHTHALMOPLEGIA, AND RIMMED VACUOLES; INCLUSION BODY MYOPATHY 3, AUTOSOMAL DOMINANT; CONGENITAL MYOPATHY 6 WITH OPHTHALMOPLEGIA. Identifiers: Orphanet 363677, Orphanet 79091, MedGen C1854106, MONDO:0011577, OMIM 605637.

Submission:

Labcorp Genetics (formerly Invitae), Labcorp
Classification: Uncertain significance for Myopathy, proximal, and ophthalmoplegia. Last evaluated: 2025-01-06. Review status: criteria provided, single submitter. Criteria: Invitae Variant Classification Sherloc (09022015). Collection method: clinical testing. Allele origin: germline.
Comment: This sequence change replaces lysine, which is basic and polar, with asparagine, which is neutral and polar, at codon 1527 of the MYH2 protein (p.Lys1527Asn). This variant is not present in population databases (gnomAD no frequency). This variant has not been reported in the literature in individuals affected with MYH2-related conditions. ClinVar contains an entry for this variant (Variation ID: 1446356). Invitae Evidence Modeling of protein sequence and biophysical properties (such as structural, functional, and spatial information, amino acid conservation, physicochemical variation, residue mobility, and thermodynamic stability) indicates that this missense variant is expected to disrupt MYH2 protein function with a positive predictive value of 80%. In summary, the available evidence is currently insufficient to determine the role of this variant in disease. Therefore, it has been classified as a Variant of Uncertain Significance.

NM_017534.6(MYH2):c.4581A>T (p.Lys1527Asn)

Genes: MYHAS (myosin heavy chain gene cluster antisense RNA; plus strand), MYH2 (myosin heavy chain 2; minus strand), LOC126862500 (BRD4-independent group 4 enhancer GRCh37_chr17:10427829-10429028; plus strand). Cytogenetic location: 17p13.1.
Variant type: single nucleotide variant.
Coding change: c.4581A>T on transcript NM_017534.6 (MANE Select); coding-DNA position 4581, A replaced by T.
Protein change: p.Lys1527Asn; replaces lysine 1527 with asparagine.
Molecular consequence: missense variant.
Genome position (GRCh38, 1-based): chr17:10,525,305, T>A on the plus strand (A>T on the coding strand, the complement: MYH2 is on the minus strand). VCF-style: chr17-10525305-T-A. GRCh37 (hg19) VCF-style: chr17-10428622-T-A.
Other names: c.4581A>T, p.Lys1527Asn (NM_001100112.2); short protein forms K1527N.
Identifiers: ClinVar variation 1446356 (VCV001446356.8), dbSNP rs2142293289, ClinGen allele CA398125019.